The following is an entry in ClinVar:

ClinVar aggregate classification (germline): Uncertain significance (1 of 4 stars; one submission).

Allele frequency attached by ClinVar (database versions not stated): gnomAD exomes 0.00001; ExAC 0.00002.
gnomAD v4.1: 9 of 1,613,580 alleles (0.00056%); highest among the groups gnomAD compares: South Asian, 0.0099%; no homozygotes.

Submission:

Labcorp Genetics (formerly Invitae), Labcorp
Classification: Uncertain significance. Last evaluated: 2024-10-24. Review status: criteria provided, single submitter. Criteria: Invitae Variant Classification Sherloc (09022015). Collection method: clinical testing. Allele origin: germline.
Comment: This sequence change replaces aspartic acid, which is acidic and polar, with alanine, which is neutral and non-polar, at codon 414 of the COL4A2 protein (p.Asp414Ala). This variant is present in population databases (rs751089424, gnomAD 0.02%). This variant has not been reported in the literature in individuals affected with COL4A2-related conditions. Invitae Evidence Modeling of protein sequence and biophysical properties (such as structural, functional, and spatial information, amino acid conservation, physicochemical variation, residue mobility, and thermodynamic stability) indicates that this missense variant is not expected to disrupt COL4A2 protein function with a negative predictive value of 95%. In summary, the available evidence is currently insufficient to determine the role of this variant in disease. Therefore, it has been classified as a Variant of Uncertain Significance.

NM_001846.4(COL4A2):c.1241A>C (p.Asp414Ala)

Gene: COL4A2 (collagen type IV alpha 2 chain; plus strand). Cytogenetic location: 13q34.
Variant type: single nucleotide variant.
Coding change: c.1241A>C on transcript NM_001846.4 (MANE Select); coding-DNA position 1241, A replaced by C.
Protein change: p.Asp414Ala; replaces aspartic acid 414 with alanine.
Molecular consequence: missense variant.
Genome position (GRCh38, 1-based): chr13:110,450,356, A>C. VCF-style: chr13-110450356-A-C. GRCh37 (hg19) VCF-style: chr13-111102703-A-C.
Other names: short protein forms D414A.
Identifiers: ClinVar variation 2776559 (VCV002776559.3), dbSNP rs751089424, ClinGen allele CA7049352.